The following is an entry in ClinVar:

NM_015662.3(IFT172):c.4966C>T (p.Gln1656Ter)

Genes: IFT172 (intraflagellar transport 172; minus strand), KRTCAP3 (keratinocyte associated protein 3; plus strand). Cytogenetic location: 2p23.3.
Variant type: single nucleotide variant.
Coding change: c.4966C>T on transcript NM_015662.3 (MANE Select); coding-DNA position 4966, C replaced by T.
Protein change: p.Gln1656Ter; replaces glutamine 1656 with a stop codon.
Molecular consequence: nonsense. On other transcripts: intron variant (1).
Genome position (GRCh38, 1-based): chr2:27,445,398, G>A on the plus strand (C>T on the coding strand, the complement: IFT172 is on the minus strand). VCF-style: chr2-27445398-G-A. GRCh37 (hg19) VCF-style: chr2-27668265-G-A.
Other names: c.4900C>T, p.Gln1634Ter (NM_001410739.1); c.*6-903G>A (NM_001168364.2); short protein forms Q1634*, Q1656*.
Identifiers: ClinVar variation 2131410 (VCV002131410.4), dbSNP rs1664975368, ClinGen allele CA346413918.

ClinVar aggregate classification (germline): Pathogenic (1 of 4 stars; one submission).

Conditions:
Short-rib thoracic dysplasia 10 with or without polydactyly (SRTD10). Identifiers: Orphanet 474, MedGen C3810175, MONDO:0014284, OMIM 615630.
Retinitis pigmentosa 71 (RP71). Identifiers: Orphanet 791, MedGen C4225342, MONDO:0014618, OMIM 616394.

Allele frequency attached by ClinVar (database versions not stated): TOPMed below 0.00001.

Submission:

Labcorp Genetics (formerly Invitae), Labcorp
Classification: Pathogenic for Retinitis pigmentosa 71; Short-rib thoracic dysplasia 10 with or without polydactyly. Last evaluated: 2022-04-28. Review status: criteria provided, single submitter. Criteria: Invitae Variant Classification Sherloc (09022015). Collection method: clinical testing. Allele origin: germline.
Comment: This sequence change creates a premature translational stop signal (p.Gln1656*) in the IFT172 gene. It is expected to result in an absent or disrupted protein product. Loss-of-function variants in IFT172 are known to be pathogenic (PMID: 24140113). This variant is not present in population databases (gnomAD no frequency). For these reasons, this variant has been classified as Pathogenic. This variant has not been reported in the literature in individuals affected with IFT172-related conditions.

Literature cited by the submitters: PubMed 24140113.